The following is an entry in ClinVar:

NM_000329.3(RPE65):c.1204T>C (p.Trp402Arg)

Gene: RPE65 (retinoid isomerohydrolase RPE65; minus strand). Cytogenetic location: 1p31.3.
Variant type: single nucleotide variant.
Coding change: c.1204T>C on transcript NM_000329.3 (MANE Select); coding-DNA position 1204, T replaced by C.
Protein change: p.Trp402Arg; replaces tryptophan 402 with arginine.
Molecular consequence: missense variant.
Genome position (GRCh38, 1-based): chr1:68,431,510, A>G on the plus strand (T>C on the coding strand, the complement: RPE65 is on the minus strand). VCF-style: chr1-68431510-A-G. GRCh37 (hg19) VCF-style: chr1-68897193-A-G.
Other names: c.1096T>C, p.Trp366Arg (NM_001406853.1); c.928T>C, p.Trp310Arg (NM_001406856.1, NM_001406857.1); short protein forms W310R, W366R, W402R.
Identifiers: ClinVar variation 3752596 (VCV003752596.2).
Genomic context (GRCh38, chr1:68,431,510, plus strand): 5'-GTTTTCTCTAGATCATCTCACCTTGACGAGGCCCTGAAAAGAGAACTTCAGGCTCCAGCC[A>G]GATAGTCTCGTCACTGCACAGAATTGCAGTGGCAGTTGTATTGGGGAGCGTGACTAAATT-3'
Protein context (NP_000320.1, residues 392-412): TAILCSDETI[Trp402Arg]LEPEVLFSGP

ClinVar aggregate classification (germline): Uncertain significance (1 of 4 stars; one submission).

Conditions:
Retinitis pigmentosa 20 (RP20). Identifiers: Orphanet 791, MedGen C3151086, MONDO:0013425, OMIM 613794.
Leber congenital amaurosis 2 (LCA2). Also called: AMAUROSIS CONGENITA OF LEBER II; Autosomal Recessive RPE65-Related Retinal Degeneration. Identifiers: Orphanet 65, MedGen C1859844, MONDO:0008765, OMIM 204100. Disease mechanism: loss of function.

Submission:

Labcorp Genetics (formerly Invitae), Labcorp
Classification: Uncertain significance for Leber congenital amaurosis 2; Retinitis pigmentosa 20. Last evaluated: 2024-12-15. Review status: criteria provided, single submitter. Criteria: Invitae Variant Classification Sherloc (09022015). Collection method: clinical testing. Allele origin: germline.
Comment: This sequence change replaces tryptophan, which is neutral and slightly polar, with arginine, which is basic and polar, at codon 402 of the RPE65 protein (p.Trp402Arg). This variant is not present in population databases (gnomAD no frequency). This variant has not been reported in the literature in individuals affected with RPE65-related conditions. Invitae Evidence Modeling of protein sequence and biophysical properties (such as structural, functional, and spatial information, amino acid conservation, physicochemical variation, residue mobility, and thermodynamic stability) has been performed for this missense variant. However, the output from this modeling did not meet the statistical confidence thresholds required to predict the impact of this variant on RPE65 protein function. In summary, the available evidence is currently insufficient to determine the role of this variant in disease. Therefore, it has been classified as a Variant of Uncertain Significance.